The following is an entry in ClinVar:

ClinVar aggregate classification (germline): Conflicting classifications of pathogenicity. Review status: criteria provided, conflicting classifications (1 of 4 stars). 2 submissions from 2 submitters: Uncertain significance (1); Likely benign (1). Last evaluated 2023-03-23.

Conditions:
Hereditary cancer-predisposing syndrome. Also called: Neoplastic Syndromes, Hereditary; Tumor predisposition; Hereditary Cancer Syndrome; Hereditary neoplastic syndrome. Identifiers: Orphanet 140162, MedGen C0027672, MeSH D009386, MONDO:0015356.

Submissions (2):

University of Washington Department of Laboratory Medicine, University of Washington
Classification: Likely benign for Hereditary cancer-predisposing syndrome. Last evaluated: 2023-03-23. Review status: criteria provided, single submitter. Criteria: Dines et al. (Genet Med. 2020). Collection method: curation. Allele origin: germline.
Comment: Missense variant in a coldspot region where missense variants are very unlikely to be pathogenic (PMID:31911673).

BRCA1 coldspot (exon 11 using historical exon numbering). Reclassification based on statistical prior probability

Ambry Genetics
Classification: Uncertain significance for Hereditary cancer-predisposing syndrome. Last evaluated: 2017-08-01. Review status: criteria provided, single submitter. Criteria: Ambry Variant Classification Scheme 2023. Collection method: clinical testing. Allele origin: germline.
Comment: The p.T536N variant (also known as c.1607C>A), located in coding exon 9 of the BRCA1 gene, results from a C to A substitution at nucleotide position 1607. The threonine at codon 536 is replaced by asparagine, an amino acid with similar properties. This amino acid position is not well conserved in available vertebrate species. In addition, the in silico prediction for this alteration is inconclusive. Since supporting evidence is limited at this time, the clinical significance of this alteration remains unclear.

NM_007294.4(BRCA1):c.1607C>A (p.Thr536Asn)

Gene: BRCA1 (BRCA1 DNA repair associated; minus strand). Cytogenetic location: 17q21.31.
Variant type: single nucleotide variant.
Coding change: c.1607C>A on transcript NM_007294.4 (MANE Select); coding-DNA position 1607, C replaced by A.
Protein change: p.Thr536Asn; replaces threonine 536 with asparagine.
Molecular consequence: missense variant. On other transcripts: intron variant (137).
Genome position (GRCh38, 1-based): chr17:43,093,924, G>T on the plus strand (C>A on the coding strand, the complement: BRCA1 is on the minus strand). VCF-style: chr17-43093924-G-T. GRCh37 (hg19) VCF-style: chr17-41245941-G-T.
Other names: c.1394C>A, p.Thr465Asn (NM_001407571.1, NM_001407853.1, NM_001407894.1 and 9 more transcripts); c.1607C>A, p.Thr536Asn (NM_001407581.1, NM_001407582.1, NM_001407583.1 and 30 more transcripts); c.1604C>A, p.Thr535Asn (NM_001407587.1, NM_001407590.1, NM_001407591.1 and 22 more transcripts); c.1598C>A, p.Thr533Asn (NM_001407646.1, NM_001407647.1); c.1484C>A, p.Thr495Asn (NM_001407648.1, NM_001407664.1, NM_001407665.1 and 19 more transcripts); c.1481C>A, p.Thr494Asn (NM_001407649.1, NM_001407670.1, NM_001407671.1 and 11 more transcripts); c.664+820C>A (NM_001408443.1, NM_001408439.1, NM_001408425.1 and 12 more transcripts); c.1529C>A, p.Thr510Asn (NM_001407653.1, NM_001407654.1, NM_001407655.1 and 4 more transcripts); and 40 more; short protein forms T536N, T489N, T408N, T424N, T510N, T447N, T468N, T469N.
Identifiers: ClinVar variation 482957 (VCV000482957.8), dbSNP rs398122638, ClinGen allele CA10598827.